The following is an entry in ClinVar:

ClinVar aggregate classification (germline): Benign/Likely benign. Review status: criteria provided, multiple submitters, no conflicts (2 of 4 stars). 6 submissions from 6 submitters: Benign (1); Likely benign (5). Last evaluated 2025-06-01.

Conditions:
Aplastic anemia. Identifiers: Orphanet 182040, Orphanet 88, MedGen C0002874, MONDO:0015909, OMIM 609135, HP:0001915.
Interstitial lung disease 2 (ILD2). Also called: FIBROCYSTIC PULMONARY DYSPLASIA; FIBROSING ALVEOLITIS, CRYPTOGENIC; Familial idiopathic pulmonary fibrosis. Identifiers: Orphanet 2032, Orphanet 79126, MedGen C5561926, MONDO:0800497, OMIM 178500, MONDO:0800029.
Pulmonary fibrosis and/or bone marrow failure, Telomere-related, 1. Also called: PULMONARY FIBROSIS AND/OR BONE MARROW FAILURE SYNDROME, TELOMERE-RELATED, 1. Identifiers: Orphanet 88, MedGen C3553617, MONDO:0013878, OMIM 614742.
Melanoma, cutaneous malignant, susceptibility to, 9. Also called: Cutaneous malignant melanoma 9. Identifiers: Orphanet 618, MedGen C3554574, MONDO:0014056, OMIM 615134.
Acute myeloid leukemia (AML). Also called: Leukemia, acute myeloid, somatic; Acute myeloid leukemia, adult; AML adult; Acute non-lymphocytic leukemia; Acute granulocytic leukemia; Leukemia, acute myelogenous, somatic. Identifiers: Orphanet 519, MedGen C0023467, MeSH D015470, MONDO:0018874, OMIM 601626, HP:0004808. Disease mechanism: Constitutively activated FLT3.
Dyskeratosis congenita, autosomal dominant 1 (DKCA1). Also called: Dyskeratosis congenita Scoggins type. Identifiers: Orphanet 1775, MedGen C4551974, MONDO:0007485, OMIM 127550. Inheritance: Variable.
Dyskeratosis congenita, autosomal dominant 2. Identifiers: MedGen C3151443, MONDO:0013521, OMIM 613989.
Idiopathic Pulmonary Fibrosis. Also called: Idiopathic fibrosing alveolitis, chronic form; idiopathic fibrosing alveolitis. Identifiers: Orphanet 2032, MedGen C1800706, MeSH D054990, MONDO:0800504.
Dyskeratosis congenita. Identifiers: Orphanet 1775, MedGen C0265965, MONDO:0015780.

Allele frequency attached by ClinVar (database versions not stated): ExAC 0.00001; gnomAD 0.00001; gnomAD exomes 0.00002 and 0.00004; TOPMed 0.00002; 1000 Genomes Project 30x 0.00016; 1000 Genomes Project 0.00020.
gnomAD v4.1: 55 of 1,609,418 alleles (0.0034%); highest among the groups gnomAD compares: East Asian, 0.065%; no homozygotes.

Submissions (6):

CeGaT Center for Human Genetics Tuebingen
Classification: Likely benign. Last evaluated: 2025-06-01. Review status: criteria provided, single submitter. Criteria: CeGaT Center For Human Genetics Tuebingen Variant Classification Criteria Version 2. Collection method: clinical testing. Allele origin: germline. Affected: yes. Observed: 2 variant alleles.
Comment: TERT: BP4, BP7

Labcorp Genetics (formerly Invitae), Labcorp
Classification: Likely benign for Dyskeratosis congenita, autosomal dominant 2; Idiopathic Pulmonary Fibrosis. Last evaluated: 2025-05-13. Review status: criteria provided, single submitter. Criteria: Invitae Variant Classification Sherloc (09022015). Collection method: clinical testing. Allele origin: germline.

Laboratory of Genetics, Children's Clinical University Hospital Latvia
Classification: Benign. Last evaluated: 2025-02-16. Review status: criteria provided, single submitter. Criteria: ACMG Guidelines, 2015. Collection method: clinical testing. Allele origin: germline. Affected: yes.

Fulgent Genetics
Classification: Likely benign for Dyskeratosis congenita, autosomal dominant 1; Interstitial lung disease 2; Acute myeloid leukemia; Aplastic anemia; Dyskeratosis congenita, autosomal dominant 2; Pulmonary fibrosis and/or bone marrow failure, Telomere-related, 1; Melanoma, cutaneous malignant, susceptibility to, 9. Last evaluated: 2022-05-16. Review status: criteria provided, single submitter. Criteria: ACMG Guidelines, 2015. Collection method: clinical testing. Allele origin: unknown.

Ambry Genetics
Classification: Likely benign for Dyskeratosis congenita. Last evaluated: 2022-02-24. Review status: criteria provided, single submitter. Criteria: Ambry Variant Classification Scheme 2023. Collection method: clinical testing. Allele origin: germline.

Blueprint Genetics
Classification: Likely benign. Last evaluated: 2021-05-24. Review status: criteria provided, single submitter. Criteria: ACMG Guidelines, 2015. Collection method: clinical testing. Allele origin: germline.

NM_198253.3(TERT):c.3303G>A (p.Thr1101=)

Gene: TERT (telomerase reverse transcriptase; minus strand). Cytogenetic location: 5p15.33.
Variant type: single nucleotide variant.
Coding change: c.3303G>A on transcript NM_198253.3 (MANE Select); coding-DNA position 3303, G replaced by A.
Protein change: p.Thr1101=; no amino-acid change (threonine 1101 retained).
Molecular consequence: synonymous variant. On other transcripts: non-coding transcript variant (2).
Genome position (GRCh38, 1-based): chr5:1,253,824, C>T on the plus strand (G>A on the coding strand, the complement: TERT is on the minus strand). VCF-style: chr5-1253824-C-T. GRCh37 (hg19) VCF-style: chr5-1253939-C-T.
Other names: c.3114G>A, p.Thr1038= (NM_001193376.3).
Identifiers: ClinVar variation 416285 (VCV000416285.40), dbSNP rs551516320, ClinGen allele CA3184215.